The following is an entry in ClinVar:

ClinVar aggregate classification (germline): Uncertain significance. Review status: criteria provided, multiple submitters, no conflicts (2 of 4 stars). 2 submissions from 2 submitters: Uncertain significance (2). Last evaluated 2026-01-08.

Conditions:
Inborn genetic diseases. Identifiers: MedGen C0950123, MeSH D030342.

Allele frequency attached by ClinVar (database versions not stated): gnomAD exomes 0.00001 and 0.00002; ExAC 0.00002; gnomAD 0.00003; TOPMed 0.00005; ESP Exome Variant Server 0.00008.

Submissions (2):

Labcorp Genetics (formerly Invitae), Labcorp
Classification: Uncertain significance. Last evaluated: 2026-01-08. Review status: criteria provided, single submitter. Criteria: Invitae Variant Classification Sherloc (09022015). Collection method: clinical testing. Allele origin: germline.
Comment: This sequence change replaces arginine, which is basic and polar, with tryptophan, which is neutral and slightly polar, at codon 154 of the COL18A1 protein (p.Arg154Trp). This variant is present in population databases (rs375242667, gnomAD 0.01%). This variant has not been reported in the literature in individuals affected with COL18A1-related conditions. ClinVar contains an entry for this variant (Variation ID: 1354307). Experimental studies and prediction algorithms are not available or were not evaluated, and the functional significance of this variant is currently unknown. In summary, the available evidence is currently insufficient to determine the role of this variant in disease. Therefore, it has been classified as a Variant of Uncertain Significance.

Ambry Genetics
Classification: Uncertain significance for Inborn genetic diseases. Last evaluated: 2024-08-28. Review status: criteria provided, single submitter. Criteria: Ambry Variant Classification Scheme 2023. Collection method: clinical testing. Allele origin: germline.

NM_001379500.1(COL18A1):c.460C>T (p.Arg154Trp)

Gene: COL18A1 (collagen type XVIII alpha 1 chain; plus strand). Cytogenetic location: 21q22.3.
Variant type: single nucleotide variant.
Coding change: c.460C>T on transcript NM_001379500.1 (MANE Select); coding-DNA position 460, C replaced by T.
Protein change: p.Arg154Trp; replaces arginine 154 with tryptophan.
Molecular consequence: missense variant.
Genome position (GRCh38, 1-based): chr21:45,468,595, C>T. VCF-style: chr21-45468595-C-T. GRCh37 (hg19) VCF-style: chr21-46888509-C-T.
Other names: NM_130445.2:c.460C>T; c.1000C>T, p.Arg334Trp (NM_030582.4); c.1705C>T, p.Arg569Trp (NM_130444.3); short protein forms R569W, R154W, R334W.
Identifiers: ClinVar variation 1354307 (VCV001354307.5), dbSNP rs375242667, ClinGen allele CA10065751.